The following is an entry in ClinVar:

ClinVar aggregate classification (germline): Likely pathogenic. Review status: criteria provided, multiple submitters, no conflicts (2 of 4 stars). 2 submissions from 2 submitters: Likely pathogenic (2). Last evaluated 2014-04-11.

Conditions:
Primary familial hypertrophic cardiomyopathy (HCM). Identifiers: Orphanet 99739, MedGen C0949658, MeSH D024741, MONDO:0024573. Inheritance: Various modes of inheritance.
Hypertrophic cardiomyopathy. Also called: HYPERTROPHIC MYOCARDIOPATHY. Identifiers: Orphanet 217569, MedGen C0007194, MeSH D002312, MONDO:0005045, HP:0001639.

Submissions (2):

Laboratory for Molecular Medicine, Mass General Brigham Personalized Medicine
Classification: Likely pathogenic for Hypertrophic cardiomyopathy. Last evaluated: 2014-04-11. Review status: criteria provided, single submitter. Criteria: LMM Criteria. Collection method: clinical testing. Allele origin: germline. Inheritance: Autosomal dominant inheritance. Observed: 3 variant alleles.
Comment: proposed classification - variant undergoing re-assessment, contact laboratory

Molecular Diagnostic Laboratory for Inherited Cardiovascular Disease, Montreal Heart Institute
Classification: Likely pathogenic for Primary familial hypertrophic cardiomyopathy. Review status: criteria provided, single submitter. Criteria: ACMG Guidelines, 2015. Collection method: clinical testing. Allele origin: germline. Affected: yes.

NM_000257.4(MYH7):c.2744T>C (p.Leu915Pro)

Gene: MYH7 (myosin heavy chain 7; minus strand). Cytogenetic location: 14q11.2.
Variant type: single nucleotide variant.
Coding change: c.2744T>C on transcript NM_000257.4 (MANE Select); coding-DNA position 2744, T replaced by C.
Protein change: p.Leu915Pro; replaces leucine 915 with proline.
Molecular consequence: missense variant.
Genome position (GRCh38, 1-based): chr14:23,424,085, A>G on the plus strand (T>C on the coding strand, the complement: MYH7 is on the minus strand). VCF-style: chr14-23424085-A-G. GRCh37 (hg19) VCF-style: chr14-23893294-A-G.
Other names: short protein forms L915P.
Identifiers: ClinVar variation 42927 (VCV000042927.7), dbSNP rs397516166, ClinGen allele CA013003.